The following is an entry in ClinVar:

NM_005530.3(IDH3A):c.844G>A (p.Gly282Arg)

Gene: IDH3A (isocitrate dehydrogenase (NAD(+)) 3 catalytic subunit alpha; plus strand). Cytogenetic location: 15q25.1.
Variant type: single nucleotide variant.
Coding change: c.844G>A on transcript NM_005530.3 (MANE Select); coding-DNA position 844, G replaced by A.
Protein change: p.Gly282Arg; replaces glycine 282 with arginine.
Molecular consequence: missense variant.
Genome position (GRCh38, 1-based): chr15:78,165,056, G>A. VCF-style: chr15-78165056-G-A. GRCh37 (hg19) VCF-style: chr15-78457398-G-A.
Other names: short protein forms G282R.
Identifiers: ClinVar variation 1006368 (VCV001006368.9), dbSNP rs1403609177, ClinGen allele CA393546030.

ClinVar aggregate classification (germline): Uncertain significance. Review status: criteria provided, multiple submitters, no conflicts (2 of 4 stars). 2 submissions from 2 submitters: Uncertain significance (2). Last evaluated 2024-12-03.

Allele frequency attached by ClinVar (database versions not stated): gnomAD exomes below 0.00001 and 0.00001.
gnomAD v4.1: 3 of 1,613,608 alleles (0.00019%); highest among the groups gnomAD compares: Admixed American, 0.0017%; no homozygotes.

Submissions (2):

Labcorp Genetics (formerly Invitae), Labcorp
Classification: Uncertain significance. Last evaluated: 2024-12-03. Review status: criteria provided, single submitter. Criteria: Invitae Variant Classification Sherloc (09022015). Collection method: clinical testing. Allele origin: germline.
Comment: This sequence change replaces glycine, which is neutral and non-polar, with arginine, which is basic and polar, at codon 282 of the IDH3A protein (p.Gly282Arg). This variant is present in population databases (no rsID available, gnomAD 0.003%). This variant has not been reported in the literature in individuals affected with IDH3A-related conditions. ClinVar contains an entry for this variant (Variation ID: 1006368). Invitae Evidence Modeling of protein sequence and biophysical properties (such as structural, functional, and spatial information, amino acid conservation, physicochemical variation, residue mobility, and thermodynamic stability) indicates that this missense variant is not expected to disrupt IDH3A protein function with a negative predictive value of 80%. In summary, the available evidence is currently insufficient to determine the role of this variant in disease. Therefore, it has been classified as a Variant of Uncertain Significance.

Blueprint Genetics
Classification: Uncertain significance. Last evaluated: 2024-07-31. Review status: criteria provided, single submitter. Criteria: ACMG Guidelines, 2015. Collection method: clinical testing. Allele origin: germline.